The following is an entry in ClinVar:

ClinVar aggregate classification (germline): Uncertain significance (1 of 4 stars; one submission).

Conditions:
Encephalopathy, acute, infection-induced (herpes-specific), susceptibility to, 1. Also called: Herpes simplex encephalitis, susceptibility to, 1. Identifiers: Orphanet 1930, MedGen C2750180, MONDO:0024563, OMIM 610551.

Submission:

Labcorp Genetics (formerly Invitae), Labcorp
Classification: Uncertain significance for Encephalopathy, acute, infection-induced (herpes-specific), susceptibility to, 1. Last evaluated: 2022-07-12. Review status: criteria provided, single submitter. Criteria: Invitae Variant Classification Sherloc (09022015). Collection method: clinical testing. Allele origin: germline.
Comment: This variant is not present in population databases (gnomAD no frequency). This variant has not been reported in the literature in individuals affected with UNC93B1-related conditions. ClinVar contains an entry for this variant (Variation ID: 1400321). Experimental studies and prediction algorithms are not available or were not evaluated, and the functional significance of this variant is currently unknown. In summary, the available evidence is currently insufficient to determine the role of this variant in disease. Therefore, it has been classified as a Variant of Uncertain Significance. This sequence change replaces arginine, which is basic and polar, with lysine, which is basic and polar, at codon 570 of the UNC93B1 protein (p.Arg570Lys).

NM_030930.4(UNC93B1):c.1709G>A (p.Arg570Lys)

Gene: UNC93B1 (unc-93B1 regulator of TLR signaling; minus strand). Cytogenetic location: 11q13.2.
Variant type: single nucleotide variant.
Coding change: c.1709G>A on transcript NM_030930.4 (MANE Select); coding-DNA position 1709, G replaced by A.
Protein change: p.Arg570Lys; replaces arginine 570 with lysine.
Molecular consequence: missense variant.
Genome position (GRCh38, 1-based): chr11:67,991,631, C>T on the plus strand (G>A on the coding strand, the complement: UNC93B1 is on the minus strand). VCF-style: chr11-67991631-C-T. GRCh37 (hg19) VCF-style: chr11-67759102-C-T.
Other names: short protein forms R570K.
Identifiers: ClinVar variation 1400321 (VCV001400321.6), dbSNP rs2134354118, ClinGen allele CA381566946.